The following is an entry in ClinVar:

ClinVar aggregate classification (germline): Likely benign. Review status: criteria provided, multiple submitters, no conflicts (2 of 4 stars). 4 submissions from 4 submitters: Likely benign (3). 1 of the submissions does not count toward it. Last evaluated 2025-12-13.

Conditions:
PIGV-related disorder. Also called: PIGV-related disorders; PIGV-related condition.

Allele frequency attached by ClinVar (database versions not stated): gnomAD below 0.00001 and 0.00004; TOPMed 0.00001; gnomAD exomes 0.00014 and 0.00030; ExAC 0.00034; 1000 Genomes Project 0.00040; 1000 Genomes Project 30x 0.00047.
gnomAD v4.1: 223 of 1,614,210 alleles (0.014%); highest among the groups gnomAD compares: South Asian, 0.21%; 2 homozygotes.

Submissions (4):

Labcorp Genetics (formerly Invitae), Labcorp
Classification: Likely benign. Last evaluated: 2025-12-13. Review status: criteria provided, single submitter. Criteria: Invitae Variant Classification Sherloc (09022015). Collection method: clinical testing. Allele origin: germline.

Blueprint Genetics
Classification: Likely benign. Last evaluated: 2022-12-08. Review status: criteria provided, single submitter. Criteria: ACMG Guidelines, 2015. Collection method: clinical testing. Allele origin: germline.

GeneDx
Classification: Likely benign. Last evaluated: 2018-06-21. Review status: criteria provided, single submitter. Criteria: GeneDx Variant Classification Process June 2021. Collection method: clinical testing. Allele origin: germline. Affected: yes.

PreventionGenetics, part of Exact Sciences
Classification: Likely benign for PIGV-related condition. Last evaluated: 2024-09-04. Review status: no assertion criteria provided. Collection method: clinical testing. Allele origin: germline. Not counted in ClinVar's aggregate classification.
Comment: This variant is classified as likely benign based on ACMG/AMP sequence variant interpretation guidelines (Richards et al. 2015 PMID: 25741868, with internal and published modifications).

NM_017837.4(PIGV):c.684G>A (p.Leu228=)

Gene: PIGV (phosphatidylinositol glycan anchor biosynthesis class V; plus strand). Cytogenetic location: 1p36.11.
Variant type: single nucleotide variant.
Coding change: c.684G>A on transcript NM_017837.4 (MANE Select); coding-DNA position 684, G replaced by A.
Protein change: p.Leu228=; no amino-acid change (leucine 228 retained).
Molecular consequence: synonymous variant. On other transcripts: non-coding transcript variant (1), intron variant (3).
Genome position (GRCh38, 1-based): chr1:26,794,718, G>A. VCF-style: chr1-26794718-G-A. GRCh37 (hg19) VCF-style: chr1-27121209-G-A.
Other names: c.684G>A, p.Leu228= (NM_001202554.2, NM_001374478.1, NM_001374480.1 and 2 more transcripts); c.303G>A, p.Leu101= (NM_001374483.1); c.173-116G>A (NM_001374484.1, NM_001374485.1); c.79-2845G>A (NM_001374486.1).
Identifiers: ClinVar variation 512944 (VCV000512944.17), dbSNP rs551364712, ClinGen allele CA708099.